The following is an entry in ClinVar:

NM_001177316.2(SLC34A3):c.-40+71G>A

Gene: SLC34A3 (solute carrier family 34 member 3; plus strand). Cytogenetic location: 9q34.3.
Variant type: single nucleotide variant.
Coding change: c.-40+71G>A on transcript NM_001177316.2 (MANE Select); 71 bases into the intron after 40 bases upstream of the start codon, G replaced by A.
Molecular consequence: intron variant. On other transcripts: 5 prime UTR variant (1).
Genome position (GRCh38, 1-based): chr9:137,231,009, G>A. VCF-style: chr9-137231009-G-A. GRCh37 (hg19) VCF-style: chr9-140125461-G-A.
Other names: c.-110G>A (NM_080877.3); c.-43+71G>A (NM_001177317.2).
Identifiers: ClinVar variation 496507 (VCV000496507.2), dbSNP rs1554782358, ClinGen allele CA658683558.

ClinVar aggregate classification (germline): Uncertain significance (1 of 4 stars; one submission).

Submission:

Women's Health and Genetics/Laboratory Corporation of America, LabCorp
Classification: Uncertain significance. Last evaluated: 2016-06-15. Review status: criteria provided, single submitter. Criteria: LabCorp Variant Classification Summary - May 2015. Collection method: clinical testing. Allele origin: germline.
Comment: Variant summary: SLC34A3c.-110G>A is located at a non-conserved nucleotide in the 5UTR of the SLC34A3 gene. One in silico tool predicts a benign outcome, and 4/5 splicing algorithms predict no significant change to splicing. Mutations in this gene are associated with hereditary hypophosphatemic rickets with hypercalciuria, and alternatively spliced transcript variants varying in the 5' UTR have been found for this gene. However, this particular 5 UTR variant has not been cited in the literature, publically available databases, or classified by other clinical labs. The frequency in large general population cohorts (i.e. ExAC) cannot be determined since coverage is insufficient at this genomic location. Taken together, this variant was classified as a VUS until additional information is available.